The following is an entry in ClinVar:

ClinVar aggregate classification (germline): Likely pathogenic (1 of 4 stars; one submission).

Submission:

Genetic Services Laboratory, University of Chicago
Classification: Likely pathogenic. Last evaluated: 2024-01-31. Review status: criteria provided, single submitter. Criteria: ACMG Guidelines, 2015. Collection method: clinical testing. Allele origin: germline. Affected: yes.
Comment: DNA sequence analysis of the SYNE1 gene demonstrated a sequence change, c.1066C>T, which results in the creation of a premature stop codon at amino acid position 356, p.Gln356*. This likely pathogenic sequence change is predicted to result in an abnormal transcript, which may be degraded, or may lead to the production of a truncated SYNE1 protein with potentially abnormal function. This sequence change has also not been described in the population databases such as ExAC and gnomAD. While this sequence change has not previously been described in the literature, other truncating variants in the SYNE1 gene both upstream and downstream of this variant have been described in individuals with SYNE1-related spinocerebellar ataxia (PMID: 27086870, 27178001). These collective evidences indicate that this sequence change is likely pathogenic.

NM_182961.4(SYNE1):c.1045C>T (p.Gln349Ter)

Gene: SYNE1 (spectrin repeat containing nuclear envelope protein 1; minus strand). Cytogenetic location: 6q25.2.
Variant type: single nucleotide variant.
Coding change: c.1045C>T on transcript NM_182961.4 (MANE Select); coding-DNA position 1045, C replaced by T.
Protein change: p.Gln349Ter; replaces glutamine 349 with a stop codon.
Molecular consequence: nonsense.
Genome position (GRCh38, 1-based): chr6:152,488,398, G>A on the plus strand (C>T on the coding strand, the complement: SYNE1 is on the minus strand). VCF-style: chr6-152488398-G-A. GRCh37 (hg19) VCF-style: chr6-152809533-G-A.
Other names: c.1066C>T, p.Gln356Ter (NM_033071.5); short protein forms Q349*, Q356*.
Identifiers: ClinVar variation 4082521 (VCV004082521.2).